The following is an entry in ClinVar:

ClinVar aggregate classification (germline): Uncertain significance (1 of 4 stars; one submission).

Conditions:
Osteogenesis imperfecta type I (OI1). Also called: Lobstein disease; OI, TYPE I; OSTEOGENESIS IMPERFECTA TARDA; OSTEOGENESIS IMPERFECTA WITH BLUE SCLERAE; Osteogenesis imperfecta type 1; Lobstein's Disease. Identifiers: Orphanet 216796, Orphanet 666, MedGen C0023931, MONDO:0008146, OMIM 166200. Disease mechanism: loss of function.
Ehlers-Danlos syndrome, classic type, 1 (EDSCL1). Also called: EDS I; EHLERS-DANLOS SYNDROME, GRAVIS TYPE; EHLERS-DANLOS SYNDROME, SEVERE CLASSIC TYPE; Ehlers-Danlos syndrome, type 1; Ehlers-Danlos Syndrome, Classic Type, COL5A1-Related. Identifiers: MedGen C0268335, MONDO:0019567, OMIM 130000.

Allele frequency attached by ClinVar (database versions not stated): 1000 Genomes Project 30x 0.00016; gnomAD 0.00001; 1000 Genomes Project 0.00020.
gnomAD v4.1: 3 of 1,614,092 alleles (0.00019%); highest among the groups gnomAD compares: East Asian, 0.0022%; no homozygotes.

Submission:

Labcorp Genetics (formerly Invitae), Labcorp
Classification: Uncertain significance for Osteogenesis imperfecta type I; Ehlers-Danlos syndrome, classic type, 1. Last evaluated: 2025-10-27. Review status: criteria provided, single submitter. Criteria: Invitae Variant Classification Sherloc (09022015). Collection method: clinical testing. Allele origin: germline.
Comment: This sequence change replaces phenylalanine, which is neutral and non-polar, with leucine, which is neutral and non-polar, at codon 1357 of the COL1A2 protein (p.Phe1357Leu). This variant is present in population databases (rs563552206, gnomAD 0.01%). This variant has not been reported in the literature in individuals affected with COL1A2-related conditions. ClinVar contains an entry for this variant (Variation ID: 2924790). Invitae Evidence Modeling of protein sequence and biophysical properties (such as structural, functional, and spatial information, amino acid conservation, physicochemical variation, residue mobility, and thermodynamic stability) indicates that this missense variant is not expected to disrupt COL1A2 protein function with a negative predictive value of 95%. In summary, the available evidence is currently insufficient to determine the role of this variant in disease. Therefore, it has been classified as a Variant of Uncertain Significance.

NM_000089.4(COL1A2):c.4069T>C (p.Phe1357Leu)

Gene: COL1A2 (collagen type I alpha 2 chain; plus strand). Cytogenetic location: 7q21.3.
Variant type: single nucleotide variant.
Coding change: c.4069T>C on transcript NM_000089.4 (MANE Select); coding-DNA position 4069, T replaced by C.
Protein change: p.Phe1357Leu; replaces phenylalanine 1357 with leucine.
Molecular consequence: missense variant.
Genome position (GRCh38, 1-based): chr7:94,430,361, T>C. VCF-style: chr7-94430361-T-C. GRCh37 (hg19) VCF-style: chr7-94059673-T-C.
Other names: short protein forms F1357L.
Identifiers: ClinVar variation 2924790 (VCV002924790.3), dbSNP rs563552206, ClinGen allele CA4347914.
Genomic context (GRCh38, chr7:94,430,361, plus strand): 5'-TCACGCCTGCCCTTCCTTGATATTGCACCTTTGGACATCGGTGGTGCTGACCAGGAATTC[T>C]TTGTGGACATTGGCCCAGTCTGTTTCAAATAAATGAACTCAATCTAAATTAAAAAAGAAA-3'
Protein context (NP_000080.2, residues 1347-1366): LDIGGADQEF[Phe1357Leu]VDIGPVCFK